The following is an entry in ClinVar:

ClinVar aggregate classification (germline): Uncertain significance (1 of 4 stars; one submission).

gnomAD v4.1: 2 of 1,613,634 alleles (0.00012%); highest among the groups gnomAD compares: African/African-American, 0.0027%; no homozygotes.

Submission:

CeGaT Center for Human Genetics Tuebingen
Classification: Uncertain significance. Last evaluated: 2025-05-01. Review status: criteria provided, single submitter. Criteria: CeGaT Center For Human Genetics Tuebingen Variant Classification Criteria Version 2. Collection method: clinical testing. Allele origin: germline. Affected: yes. Observed: 1 variant allele.
Comment: ACAN: PM2, BP4

NM_001369268.1(ACAN):c.169A>G (p.Met57Val)

Gene: ACAN (aggrecan; plus strand). Cytogenetic location: 15q26.1.
Variant type: single nucleotide variant.
Coding change: c.169A>G on transcript NM_001369268.1 (MANE Select); coding-DNA position 169, A replaced by G.
Protein change: p.Met57Val; replaces methionine 57 with valine.
Molecular consequence: missense variant.
Genome position (GRCh38, 1-based): chr15:88,838,761, A>G. VCF-style: chr15-88838761-A-G. GRCh37 (hg19) VCF-style: chr15-89381992-A-G.
Other names: c.169A>G, p.Met57Val (NM_001135.4, NM_001411096.1, NM_001411097.1 and 1 more transcripts); short protein forms M57V.
Identifiers: ClinVar variation 3905670 (VCV003905670.10).